The following is an entry in ClinVar:

ClinVar aggregate classification (germline): Uncertain significance. Review status: criteria provided, multiple submitters, no conflicts (2 of 4 stars). 2 submissions from 2 submitters: Uncertain significance (2). Last evaluated 2025-02-13.

Conditions:
Inborn genetic diseases. Identifiers: MedGen C0950123, MeSH D030342.

Allele frequency attached by ClinVar (database versions not stated): gnomAD exomes below 0.00001; ExAC 0.00001.
gnomAD v4.1: 2 of 1,614,110 alleles (0.00012%); highest among the groups gnomAD compares: Admixed American, 0.0017%; no homozygotes.

Submissions (2):

Ambry Genetics
Classification: Uncertain significance for Inborn genetic diseases. Last evaluated: 2025-02-13. Review status: criteria provided, single submitter. Criteria: Ambry Variant Classification Scheme 2023. Collection method: clinical testing. Allele origin: germline.

Labcorp Genetics (formerly Invitae), Labcorp
Classification: Uncertain significance. Last evaluated: 2022-11-08. Review status: criteria provided, single submitter. Criteria: Invitae Variant Classification Sherloc (09022015). Collection method: clinical testing. Allele origin: germline.
Comment: This variant is present in population databases (rs780673652, gnomAD 0.006%). This variant has not been reported in the literature in individuals affected with LRP5-related conditions. Algorithms developed to predict the effect of missense changes on protein structure and function (SIFT, PolyPhen-2, Align-GVGD) all suggest that this variant is likely to be disruptive. In summary, the available evidence is currently insufficient to determine the role of this variant in disease. Therefore, it has been classified as a Variant of Uncertain Significance. This sequence change replaces alanine, which is neutral and non-polar, with valine, which is neutral and non-polar, at codon 377 of the LRP5 protein (p.Ala377Val).

NM_002335.4(LRP5):c.1130C>T (p.Ala377Val)

Gene: LRP5 (LDL receptor related protein 5; plus strand). Cytogenetic location: 11q13.2.
Variant type: single nucleotide variant.
Coding change: c.1130C>T on transcript NM_002335.4 (MANE Select); coding-DNA position 1130, C replaced by T.
Protein change: p.Ala377Val; replaces alanine 377 with valine.
Molecular consequence: missense variant. On other transcripts: 5 prime UTR variant (1).
Genome position (GRCh38, 1-based): chr11:68,386,430, C>T. VCF-style: chr11-68386430-C-T. GRCh37 (hg19) VCF-style: chr11-68153898-C-T.
Other names: c.-636C>T (NM_001291902.2); c.1130C>T (NM_002335.2); short protein forms A377V.
Identifiers: ClinVar variation 2973531 (VCV002973531.4), dbSNP rs780673652, ClinGen allele CA6149256.